The following is an entry in ClinVar:

NM_001384474.1(LOXHD1):c.2036C>T (p.Ala679Val)

Gene: LOXHD1 (lipoxygenase homology PLAT domains 1; minus strand). Cytogenetic location: 18q21.1.
Variant type: single nucleotide variant.
Coding change: c.2036C>T on transcript NM_001384474.1 (MANE Select); coding-DNA position 2036, C replaced by T.
Protein change: p.Ala679Val; replaces alanine 679 with valine.
Molecular consequence: missense variant.
Genome position (GRCh38, 1-based): chr18:46,572,097, G>A on the plus strand (C>T on the coding strand, the complement: LOXHD1 is on the minus strand). VCF-style: chr18-46572097-G-A. GRCh37 (hg19) VCF-style: chr18-44152060-G-A.
Other names: c.2036C>T, p.Ala679Val (NM_144612.7); short protein forms A679V.
Identifiers: ClinVar variation 890049 (VCV000890049.10), dbSNP rs370779024, ClinGen allele CA8952722.

ClinVar aggregate classification (germline): Uncertain significance. Review status: criteria provided, multiple submitters, no conflicts (2 of 4 stars). 6 submissions from 6 submitters: Uncertain significance (6). Last evaluated 2026-02-03.

Conditions:
LOXHD1-related disorder. Also called: LOXHD1-related condition.
Autosomal recessive nonsyndromic hearing loss 77. Identifiers: Orphanet 90636, MedGen C2746083, MONDO:0013119, OMIM 613079.

Allele frequency attached by ClinVar (database versions not stated): ExAC 0.00005; gnomAD exomes 0.00008 and 0.00010; TOPMed 0.00014; gnomAD 0.00016 and 0.00017; 1000 Genomes Project 0.00020; 1000 Genomes Project 30x 0.00047.

Submissions (6):

PreventionGenetics, part of Exact Sciences
Classification: Uncertain significance for LOXHD1-related condition. Last evaluated: 2026-02-03. Review status: criteria provided, single submitter. Criteria: ACMG Guidelines, 2015. Collection method: clinical testing. Allele origin: germline.
Comment: The LOXHD1 c.2036C>T variant is predicted to result in the amino acid substitution p.Ala679Val. To our knowledge, this variant has not been reported in the literature. This variant is reported in 0.020% of alleles in individuals of Latino descent in gnomAD. At this time, the clinical significance of this variant is uncertain due to the absence of conclusive functional and genetic evidence.

Labcorp Genetics (formerly Invitae), Labcorp
Classification: Uncertain significance. Last evaluated: 2025-01-06. Review status: criteria provided, single submitter. Criteria: Invitae Variant Classification Sherloc (09022015). Collection method: clinical testing. Allele origin: germline.
Comment: This sequence change replaces alanine, which is neutral and non-polar, with valine, which is neutral and non-polar, at codon 679 of the LOXHD1 protein (p.Ala679Val). This variant is present in population databases (rs370779024, gnomAD 0.02%). This variant has not been reported in the literature in individuals affected with LOXHD1-related conditions. ClinVar contains an entry for this variant (Variation ID: 890049). An algorithm developed to predict the effect of missense changes on protein structure and function (PolyPhen-2) suggests that this variant¬†is likely to be tolerated. In summary, the available evidence is currently insufficient to determine the role of this variant in disease. Therefore, it has been classified as a Variant of Uncertain Significance.

Blueprint Genetics
Classification: Uncertain significance. Last evaluated: 2024-09-03. Review status: criteria provided, single submitter. Criteria: ACMG Guidelines, 2015. Collection method: clinical testing. Allele origin: germline.

Department of Pathology and Laboratory Medicine, Sinai Health System
Classification: Uncertain significance for Autosomal recessive nonsyndromic hearing loss 77. Last evaluated: 2022-06-09. Review status: criteria provided, single submitter. Criteria: ACMG Guidelines, 2015. Collection method: research. Allele origin: germline.

Revvity Omics, Revvity
Classification: Uncertain significance for Autosomal recessive nonsyndromic hearing loss 77. Last evaluated: 2022-06-06. Review status: criteria provided, single submitter. Criteria: ACMG Guidelines, 2015. Collection method: clinical testing. Allele origin: germline.

Illumina Laboratory Services, Illumina
Classification: Uncertain significance for Autosomal recessive nonsyndromic hearing loss 77. Last evaluated: 2018-01-13. Review status: criteria provided, single submitter. Criteria: ICSL Variant Classification Criteria 13 December 2019. Collection method: clinical testing. Allele origin: germline.